The following is an entry in ClinVar:

ClinVar aggregate classification (germline): Uncertain significance. Review status: criteria provided, multiple submitters, no conflicts (2 of 4 stars). 4 submissions from 3 submitters: Uncertain significance (4). Last evaluated 2025-12-01.

Conditions:
Emery-Dreifuss muscular dystrophy 4, autosomal dominant (EDMD4). Also called: EMERY-DREIFUSS MUSCULAR DYSTROPHY 4 WITH VARIABLE FEATURES. Identifiers: Orphanet 261, MedGen C2751807, MONDO:0013071, OMIM 612998.
Autosomal recessive ataxia, Beauce type. Also called: ATAXIA, RECESSIVE, OF BEAUCE; SYNE1 Deficiency; SYNE1-Related Autosomal Recessive Cerebellar Ataxia; Spinocerebellar ataxia, autosomal recessive 8. Identifiers: Orphanet 88644, MedGen C1853116, MONDO:0012549, OMIM 610743.

Allele frequency attached by ClinVar (database versions not stated): gnomAD exomes 0.00001; TOPMed 0.00002; gnomAD 0.00003; ESP Exome Variant Server 0.00008.
gnomAD v4.1: 30 of 1,614,082 alleles (0.0019%); highest among the groups gnomAD compares: African/African-American, 0.0067%; no homozygotes.

Submissions (4):

Labcorp Genetics (formerly Invitae), Labcorp
Classification: Uncertain significance for Emery-Dreifuss muscular dystrophy 4, autosomal dominant; Autosomal recessive ataxia, Beauce type. Last evaluated: 2025-12-01. Review status: criteria provided, single submitter. Criteria: Invitae Variant Classification Sherloc (09022015). Collection method: clinical testing. Allele origin: germline.
Comment: This sequence change replaces glutamic acid, which is acidic and polar, with lysine, which is basic and polar, at codon 8013 of the SYNE1 protein (p.Glu8013Lys). This variant is present in population databases (rs373016793, gnomAD 0.004%). This variant has not been reported in the literature in individuals affected with SYNE1-related conditions. ClinVar contains an entry for this variant (Variation ID: 906281). An algorithm developed to predict the effect of missense changes on protein structure and function outputs the following: PolyPhen-2: "Benign". The lysine amino acid residue is found in multiple mammalian species, which suggests that this missense change does not adversely affect protein function. In summary, the available evidence is currently insufficient to determine the role of this variant in disease. Therefore, it has been classified as a Variant of Uncertain Significance.

Revvity Omics, Revvity
Classification: Uncertain significance. Last evaluated: 2021-07-06. Review status: criteria provided, single submitter. Criteria: ACMG Guidelines, 2015. Collection method: clinical testing. Allele origin: germline.

Illumina Laboratory Services, Illumina
Classification: Uncertain significance for Autosomal recessive ataxia, Beauce type. Last evaluated: 2018-01-12. Review status: criteria provided, single submitter. Criteria: ICSL Variant Classification Criteria 13 December 2019. Collection method: clinical testing. Allele origin: germline.

Illumina Laboratory Services, Illumina
Classification: Uncertain significance for Emery-Dreifuss muscular dystrophy 4, autosomal dominant. Last evaluated: 2018-01-12. Review status: criteria provided, single submitter. Criteria: ICSL Variant Classification Criteria 13 December 2019. Collection method: clinical testing. Allele origin: germline.

NM_182961.4(SYNE1):c.24250G>A (p.Glu8084Lys)

Gene: SYNE1 (spectrin repeat containing nuclear envelope protein 1; minus strand). Cytogenetic location: 6q25.2.
Variant type: single nucleotide variant.
Coding change: c.24250G>A on transcript NM_182961.4 (MANE Select); coding-DNA position 24250, G replaced by A.
Protein change: p.Glu8084Lys; replaces glutamic acid 8084 with lysine.
Molecular consequence: missense variant.
Genome position (GRCh38, 1-based): chr6:152,152,021, C>T on the plus strand (G>A on the coding strand, the complement: SYNE1 is on the minus strand). VCF-style: chr6-152152021-C-T. GRCh37 (hg19) VCF-style: chr6-152473156-C-T.
Other names: c.856G>A, p.Glu286Lys (NM_001347701.2); c.715G>A, p.Glu239Lys (NM_001347702.2); c.24037G>A, p.Glu8013Lys (NM_033071.5); short protein forms E8084K, E239K, E286K, E8013K.
Identifiers: ClinVar variation 906281 (VCV000906281.12), dbSNP rs373016793, ClinGen allele CA150176472.